The following is an entry in ClinVar:

ClinVar aggregate classification (germline): Uncertain significance. Review status: criteria provided, multiple submitters, no conflicts (2 of 4 stars). 2 submissions from 2 submitters: Uncertain significance (2). Last evaluated 2024-09-16.

Allele frequency attached by ClinVar (database versions not stated): gnomAD 0.00001; ExAC 0.00002; gnomAD exomes 0.00002; TOPMed 0.00002.
gnomAD v4.1: 10 of 1,604,658 alleles (0.00062%); highest among the groups gnomAD compares: Non-Finnish European, 0.00077%; no homozygotes.

Submissions (2):

Labcorp Genetics (formerly Invitae), Labcorp
Classification: Uncertain significance. Last evaluated: 2024-09-16. Review status: criteria provided, single submitter. Criteria: Invitae Variant Classification Sherloc (09022015). Collection method: clinical testing. Allele origin: germline.
Comment: This sequence change replaces proline, which is neutral and non-polar, with alanine, which is neutral and non-polar, at codon 1083 of the POLR3A protein (p.Pro1083Ala). This variant is present in population databases (rs774876530, gnomAD 0.004%). This variant has not been reported in the literature in individuals affected with POLR3A-related conditions. ClinVar contains an entry for this variant (Variation ID: 1501676). Invitae Evidence Modeling of protein sequence and biophysical properties (such as structural, functional, and spatial information, amino acid conservation, physicochemical variation, residue mobility, and thermodynamic stability) indicates that this missense variant is expected to disrupt POLR3A protein function with a positive predictive value of 80%. In summary, the available evidence is currently insufficient to determine the role of this variant in disease. Therefore, it has been classified as a Variant of Uncertain Significance.

Blueprint Genetics
Classification: Uncertain significance. Last evaluated: 2023-08-08. Review status: criteria provided, single submitter. Criteria: ACMG Guidelines, 2015. Collection method: clinical testing. Allele origin: germline.

NM_007055.4(POLR3A):c.3247C>G (p.Pro1083Ala)

Genes: POLR3A (RNA polymerase III subunit A; minus strand), LOC126860970 (BRD4-independent group 4 enhancer GRCh37_chr10:79743812-79745011; plus strand). Cytogenetic location: 10q22.3.
Variant type: single nucleotide variant.
Coding change: c.3247C>G on transcript NM_007055.4 (MANE Select); coding-DNA position 3247, C replaced by G.
Protein change: p.Pro1083Ala; replaces proline 1083 with alanine.
Molecular consequence: missense variant.
Genome position (GRCh38, 1-based): chr10:77,984,294, G>C on the plus strand (C>G on the coding strand, the complement: POLR3A is on the minus strand). VCF-style: chr10-77984294-G-C. GRCh37 (hg19) VCF-style: chr10-79744052-G-C.
Other names: short protein forms P1083A.
Identifiers: ClinVar variation 1501676 (VCV001501676.9), dbSNP rs774876530, ClinGen allele CA5570896.